The following is an entry in ClinVar:

ClinVar aggregate classification (germline): Uncertain significance (1 of 4 stars; one submission).

Allele frequency attached by ClinVar (database versions not stated): gnomAD 0.00002; gnomAD exomes 0.00001; TOPMed 0.00003; ExAC 0.00009.
gnomAD v4.1: 22 of 1,613,928 alleles (0.0014%); highest among the groups gnomAD compares: Admixed American, 0.0067%; no homozygotes.

Submission:

Labcorp Genetics (formerly Invitae), Labcorp
Classification: Uncertain significance. Last evaluated: 2025-11-26. Review status: criteria provided, single submitter. Criteria: Invitae Variant Classification Sherloc (09022015). Collection method: clinical testing. Allele origin: germline.
Comment: This sequence change replaces arginine, which is basic and polar, with cysteine, which is neutral and slightly polar, at codon 1397 of the MYH3 protein (p.Arg1397Cys). This variant is present in population databases (rs747837966, gnomAD 0.009%). This variant has not been reported in the literature in individuals affected with MYH3-related conditions. ClinVar contains an entry for this variant (Variation ID: 2721229). Invitae Evidence Modeling of protein sequence and biophysical properties (such as structural, functional, and spatial information, amino acid conservation, physicochemical variation, residue mobility, and thermodynamic stability) has been performed for this missense variant. However, the output from this modeling did not meet the statistical confidence thresholds required to predict the impact of this variant on MYH3 protein function. In summary, the available evidence is currently insufficient to determine the role of this variant in disease. Therefore, it has been classified as a Variant of Uncertain Significance.

NM_002470.4(MYH3):c.4189C>T (p.Arg1397Cys)

Gene: MYH3 (myosin heavy chain 3; minus strand). Cytogenetic location: 17p13.1.
Variant type: single nucleotide variant.
Coding change: c.4189C>T on transcript NM_002470.4 (MANE Select); coding-DNA position 4189, C replaced by T.
Protein change: p.Arg1397Cys; replaces arginine 1397 with cysteine.
Molecular consequence: missense variant.
Genome position (GRCh38, 1-based): chr17:10,635,007, G>A on the plus strand (C>T on the coding strand, the complement: MYH3 is on the minus strand). VCF-style: chr17-10635007-G-A. GRCh37 (hg19) VCF-style: chr17-10538324-G-A.
Other names: short protein forms R1397C.
Identifiers: ClinVar variation 2721229 (VCV002721229.3), dbSNP rs747837966, ClinGen allele CA8392285.